The following is an entry in ClinVar:

ClinVar aggregate classification (germline): Likely benign (0 of 4 stars; one submission).

Conditions:
DIP2B-related disorder. Also called: DIP2B-related condition.

Allele frequency attached by ClinVar (database versions not stated): gnomAD 0.00025; TOPMed 0.00031; ExAC 0.00038; ESP Exome Variant Server 0.00038.
gnomAD v4.1: 971 of 1,613,936 alleles (0.06%); highest among the groups gnomAD compares: Non-Finnish European, 0.076%; 1 homozygote.

Submission:

PreventionGenetics, part of Exact Sciences
Classification: Likely benign for DIP2B-related condition. Last evaluated: 2022-02-23. Review status: no assertion criteria provided. Collection method: clinical testing. Allele origin: germline.
Comment: This variant is classified as likely benign based on ACMG/AMP sequence variant interpretation guidelines (Richards et al. 2015 PMID: 25741868, with internal and published modifications).

NM_173602.3(DIP2B):c.1475C>A (p.Ser492Tyr)

Gene: DIP2B (disco interacting protein 2 homolog B; plus strand). Cytogenetic location: 12q13.12.
Variant type: single nucleotide variant.
Coding change: c.1475C>A on transcript NM_173602.3 (MANE Select); coding-DNA position 1475, C replaced by A.
Protein change: p.Ser492Tyr; replaces serine 492 with tyrosine.
Molecular consequence: missense variant.
Genome position (GRCh38, 1-based): chr12:50,686,606, C>A. VCF-style: chr12-50686606-C-A. GRCh37 (hg19) VCF-style: chr12-51080389-C-A.
Other names: short protein forms S492Y.
Identifiers: ClinVar variation 3040366 (VCV003040366.2), dbSNP rs148830732, ClinGen allele CA6564532.